The following is an entry in ClinVar:

NM_015311.3(OBSL1):c.2735G>A (p.Arg912His)

Gene: OBSL1 (obscurin like cytoskeletal adaptor 1; minus strand). Cytogenetic location: 2q35.
Variant type: single nucleotide variant.
Coding change: c.2735G>A on transcript NM_015311.3 (MANE Select); coding-DNA position 2735, G replaced by A.
Protein change: p.Arg912His; replaces arginine 912 with histidine.
Molecular consequence: missense variant.
Genome position (GRCh38, 1-based): chr2:219,562,620, C>T on the plus strand (G>A on the coding strand, the complement: OBSL1 is on the minus strand). VCF-style: chr2-219562620-C-T. GRCh37 (hg19) VCF-style: chr2-220427342-C-T.
Other names: c.2735G>A, p.Arg912His (NM_001173408.2, NM_001173431.2); short protein forms R912H.
Identifiers: ClinVar variation 1060903 (VCV001060903.6), dbSNP rs767824497, ClinGen allele CA2131102.

ClinVar aggregate classification (germline): Uncertain significance (1 of 4 stars; one submission).

Allele frequency attached by ClinVar (database versions not stated): gnomAD exomes 0.00003; TOPMed 0.00002; ExAC 0.00003; gnomAD 0.00001.
gnomAD v4.1: 47 of 1,593,718 alleles (0.0029%); highest among the groups gnomAD compares: South Asian, 0.0068%; no homozygotes.

Submission:

Labcorp Genetics (formerly Invitae), Labcorp
Classification: Uncertain significance. Last evaluated: 2023-12-22. Review status: criteria provided, single submitter. Criteria: Invitae Variant Classification Sherloc (09022015). Collection method: clinical testing. Allele origin: germline.
Comment: This sequence change replaces arginine, which is basic and polar, with histidine, which is basic and polar, at codon 912 of the OBSL1 protein (p.Arg912His). This variant is present in population databases (rs767824497, gnomAD 0.009%). This variant has not been reported in the literature in individuals affected with OBSL1-related conditions. ClinVar contains an entry for this variant (Variation ID: 1060903). An algorithm developed to predict the effect of missense changes on protein structure and function (PolyPhen-2) suggests that this variant is likely to be disruptive. In summary, the available evidence is currently insufficient to determine the role of this variant in disease. Therefore, it has been classified as a Variant of Uncertain Significance.